The following is an entry in ClinVar:

NM_173630.4(RTTN):c.965G>A (p.Arg322Gln)

Gene: RTTN (rotatin; minus strand). Cytogenetic location: 18q22.2.
Variant type: single nucleotide variant.
Coding change: c.965G>A on transcript NM_173630.4 (MANE Select); coding-DNA position 965, G replaced by A.
Protein change: p.Arg322Gln; replaces arginine 322 with glutamine.
Molecular consequence: missense variant. On other transcripts: 5 prime UTR variant (1).
Genome position (GRCh38, 1-based): chr18:70,193,330, C>T on the plus strand (G>A on the coding strand, the complement: RTTN is on the minus strand). VCF-style: chr18-70193330-C-T. GRCh37 (hg19) VCF-style: chr18-67860566-C-T.
Other names: c.-1589G>A (NM_001318520.2); short protein forms R322Q.
Identifiers: ClinVar variation 1935768 (VCV001935768.5), dbSNP rs1478425334, ClinGen allele CA402699445.

ClinVar aggregate classification (germline): Uncertain significance (1 of 4 stars; one submission).

Allele frequency attached by ClinVar (database versions not stated): gnomAD exomes below 0.00001.
gnomAD v4.1: 2 of 1,611,106 alleles (0.00012%); highest among the groups gnomAD compares: Non-Finnish European, 0.000085%; no homozygotes.

Submission:

Labcorp Genetics (formerly Invitae), Labcorp
Classification: Uncertain significance. Last evaluated: 2022-03-19. Review status: criteria provided, single submitter. Criteria: Invitae Variant Classification Sherloc (09022015). Collection method: clinical testing. Allele origin: germline.
Comment: In summary, the available evidence is currently insufficient to determine the role of this variant in disease. Therefore, it has been classified as a Variant of Uncertain Significance. Algorithms developed to predict the effect of missense changes on protein structure and function are either unavailable or do not agree on the potential impact of this missense change (SIFT: "Deleterious"; PolyPhen-2: "Probably Damaging"; Align-GVGD: "Class C0"). This variant has not been reported in the literature in individuals affected with RTTN-related conditions. This variant is present in population databases (no rsID available, gnomAD 0.01%). This sequence change replaces arginine, which is basic and polar, with glutamine, which is neutral and polar, at codon 322 of the RTTN protein (p.Arg322Gln).